The following is an entry in ClinVar:

NM_033305.3(VPS13A):c.3114dup (p.Leu1039fs)

Gene: VPS13A (vacuolar protein sorting 13 homolog A; plus strand). Cytogenetic location: 9q21.2.
Variant type: Duplication.
Coding change: c.3114dup on transcript NM_033305.3 (MANE Select); coding-DNA position 3114, one base duplicated (A; older notation c.3114dupA).
Protein change: p.Leu1039fs; shifts the reading frame from leucine 1039.
Molecular consequence: frameshift variant.
Genome position (GRCh38, 1-based): chr9:77,282,270, A duplicated; the last of 6 consecutive A bases (chr9:77,282,265-77,282,270); duplicating any one gives the same sequence. VCF-style (leftmost placement, unchanged base first): chr9-77282264-T-TA. GRCh37 (hg19) VCF-style: chr9-79897180-T-TA.
Other names: c.3114dup, p.Leu1039fs (NM_001018037.2, NM_001018038.3, NM_015186.4); short protein forms L1039fs.
Identifiers: ClinVar variation 5014533 (VCV005014533.1).

ClinVar aggregate classification (germline): Pathogenic (1 of 4 stars; one submission).

Conditions:
VPS13A-related neurodegenerative disease. Also called: ACANTHOCYTOSIS WITH NEUROLOGIC DISORDER; LEVINE-CRITCHLEY SYNDROME; Choreoacanthocytosis; Chorea-acanthocytosis; Choreaacanthocytosis; VPS13A Disease. Identifiers: Orphanet 2388, MedGen C0393576, MONDO:0008695, OMIM 200150.

Submission:

Myriad Genetics, Inc.
Classification: Pathogenic for VPS13A-related neurodegenerative disease. Last evaluated: 2025-05-28. Review status: criteria provided, single submitter. Criteria: Myriad Autosomal Dominant, Autosomal Recessive and X-Linked Classification Criteria (2023). Collection method: clinical testing. Allele origin: unknown.
Comment: NM_033305.2(VPS13A):c.3114dupA(L1039Ifs*9) is expected to be pathogenic in the context of VPS13A disease. This variant is predicted to lead to an abnormal or absent protein product due to the creation of a premature termination codon in VPS13A, a gene where loss-of-function variants are known to be pathogenic. Please note: this variant was assessed in the context of healthy population screening.